The following is an entry in ClinVar:

NM_144670.6(A2ML1):c.3878A>G (p.Asn1293Ser)

Gene: A2ML1 (alpha-2-macroglobulin like 1; plus strand). Cytogenetic location: 12p13.31.
Variant type: single nucleotide variant.
Coding change: c.3878A>G on transcript NM_144670.6 (MANE Select); coding-DNA position 3878, A replaced by G.
Protein change: p.Asn1293Ser; replaces asparagine 1293 with serine.
Molecular consequence: missense variant.
Genome position (GRCh38, 1-based): chr12:8,868,002, A>G. VCF-style: chr12-8868002-A-G. GRCh37 (hg19) VCF-style: chr12-9020598-A-G.
Other names: c.2405A>G, p.Asn802Ser (NM_001282424.3); short protein forms N1293S, N802S.
Identifiers: ClinVar variation 413821 (VCV000413821.22), dbSNP rs201478459, ClinGen allele CA6436501.

ClinVar aggregate classification (germline): Benign/Likely benign. Review status: criteria provided, multiple submitters, no conflicts (2 of 4 stars). 8 submissions from 8 submitters: Benign (1); Likely benign (4). 3 of the submissions do not count toward it. Last evaluated 2026-02-03.

Conditions:
A2ML1-related disorder. Also called: A2ML1-related condition.

Allele frequency attached by ClinVar (database versions not stated): ExAC 0.00058; gnomAD exomes 0.00058 and 0.00078; TOPMed 0.00058; gnomAD 0.00059 and 0.00061; 1000 Genomes Project 0.00060; 1000 Genomes Project 30x 0.00062; ESP Exome Variant Server 0.00082.
gnomAD v4.1: 1,215 of 1,614,238 alleles (0.075%); highest among the groups gnomAD compares: Non-Finnish European, 0.09%; 1 homozygote.

Submissions (8):

Labcorp Genetics (formerly Invitae), Labcorp
Classification: Likely benign. Last evaluated: 2026-02-03. Review status: criteria provided, single submitter. Criteria: Invitae Variant Classification Sherloc (09022015). Collection method: clinical testing. Allele origin: germline.

Blueprint Genetics
Classification: Likely benign. Last evaluated: 2024-09-12. Review status: criteria provided, single submitter. Criteria: ACMG Guidelines, 2015. Collection method: clinical testing. Allele origin: germline.

Women's Health and Genetics/Laboratory Corporation of America, LabCorp
Classification: Benign. Last evaluated: 2019-10-21. Review status: criteria provided, single submitter. Criteria: LabCorp Variant Classification Summary - May 2015. Collection method: clinical testing. Allele origin: germline.
Comment: Variant summary: A2ML1 c.3878A>G (p.Asn1293Ser) results in a conservative amino acid change in the encoded protein sequence. Five of five in-silico tools predict a benign effect of the variant on protein function. The variant allele was found at a frequency of 0.00058 in 249424 control chromosomes, predominantly at a frequency of 0.00091 within the Non-Finnish European subpopulation in the gnomAD database. The observed variant frequency within Non-Finnish European control individuals in the gnomAD database is approximately 228 fold of the estimated maximal expected allele frequency for a pathogenic variant in A2ML1 causing Noonan Syndrome phenotype (4e-06), strongly suggesting that the variant is a benign polymorphism found primarily in populations of Non-Finnish European origin. To our knowledge, no occurrence of c.3878A>G in individuals affected with Noonan Syndrome and no experimental evidence demonstrating its impact on protein function have been reported. One clinical diagnostic laboratory has submitted clinical-significance assessments for this variant to ClinVar after 2014 without evidence for independent evaluation and classified the variant as likely benign. Based on the evidence outlined above, the variant was classified as benign.

GeneDx
Classification: Likely benign. Last evaluated: 2019-09-16. Review status: criteria provided, single submitter. Criteria: GeneDx Variant Classification Process June 2021. Collection method: clinical testing. Allele origin: germline. Affected: yes.
Comment: This variant is associated with the following publications: (PMID: 24939586)

Breakthrough Genomics
Classification: Likely benign. Review status: criteria provided, single submitter. Criteria: ACMG Guidelines, 2015. Collection method: not provided. Allele origin: germline. Inheritance: Autosomal dominant inheritance. Affected: yes.

PreventionGenetics, part of Exact Sciences
Classification: Likely benign for A2ML1-related condition. Last evaluated: 2023-08-10. Review status: no assertion criteria provided. Collection method: clinical testing. Allele origin: germline. Not counted in ClinVar's aggregate classification.
Comment: This variant is classified as likely benign based on ACMG/AMP sequence variant interpretation guidelines (Richards et al. 2015 PMID: 25741868, with internal and published modifications).

Clinical Genetics DNA and cytogenetics Diagnostics Lab, Erasmus MC, Erasmus Medical Center
Classification: Likely benign. Review status: no assertion criteria provided. Collection method: clinical testing. Allele origin: germline. Affected: yes. Study: VKGL Data-share Consensus. Not counted in ClinVar's aggregate classification.

Joint Genome Diagnostic Labs from Nijmegen and Maastricht, Radboudumc and MUMC+
Classification: Likely benign. Review status: no assertion criteria provided. Collection method: clinical testing. Allele origin: germline. Affected: yes. Study: VKGL Data-share Consensus. Not counted in ClinVar's aggregate classification.